The following is an entry in ClinVar:

ClinVar aggregate classification (germline): Uncertain significance (1 of 4 stars; one submission).

Conditions:
Autosomal dominant nocturnal frontal lobe epilepsy 5. Also called: Epilepsy, nocturnal frontal lobe, 5; CILIARY DYSKINESIA, PRIMARY, 28, WITHOUT SITUS INVERSUS; CILIARY DYSKINESIA, PRIMARY, 28, WITH SITUS INVERSUS; KCNT1-Related Epilepsy. Identifiers: Orphanet 98784, MedGen C3554306, MONDO:0014002, OMIM 615005.
Developmental and epileptic encephalopathy, 14 (DEE14). Also called: Early infantile epileptic encephalopathy 14. Identifiers: Orphanet 293181, MedGen C3554195, MONDO:0013989, OMIM 614959.

Allele frequency attached by ClinVar (database versions not stated): gnomAD exomes below 0.00001; gnomAD 0.00001.
gnomAD v4.1: 6 of 1,606,224 alleles (0.00037%); highest among the groups gnomAD compares: East Asian, 0.0022%; no homozygotes.

Submission:

Labcorp Genetics (formerly Invitae), Labcorp
Classification: Uncertain significance for Autosomal dominant nocturnal frontal lobe epilepsy 5; Developmental and epileptic encephalopathy, 14. Last evaluated: 2023-01-24. Review status: criteria provided, single submitter. Criteria: Invitae Variant Classification Sherloc (09022015). Collection method: clinical testing. Allele origin: germline.
Comment: This variant has not been reported in the literature in individuals affected with KCNT1-related conditions. The frequency data for this variant in the population databases is considered unreliable, as metrics indicate poor data quality at this position in the gnomAD database. This sequence change creates a premature translational stop signal (p.Arg950*) in the KCNT1 gene. It is expected to result in an absent or disrupted protein product. However, the current clinical and genetic evidence is not sufficient to establish whether loss-of-function variants in KCNT1 cause disease. ClinVar contains an entry for this variant (Variation ID: 473377). In summary, the available evidence is currently insufficient to determine the role of this variant in disease. Therefore, it has been classified as a Variant of Uncertain Significance.

NM_020822.3(KCNT1):c.2848C>T (p.Arg950Ter)

Gene: KCNT1 (potassium sodium-activated channel subfamily T member 1; plus strand). Cytogenetic location: 9q34.3.
Variant type: single nucleotide variant.
Coding change: c.2848C>T on transcript NM_020822.3 (MANE Select); coding-DNA position 2848, C replaced by T.
Protein change: p.Arg950Ter; replaces arginine 950 with a stop codon.
Molecular consequence: nonsense.
Genome position (GRCh38, 1-based): chr9:135,784,030, C>T. VCF-style: chr9-135784030-C-T. GRCh37 (hg19) VCF-style: chr9-138675876-C-T.
Other names: c.2713C>T, p.Arg905Ter (NM_001272003.2); short protein forms R950*, R905*.
Identifiers: ClinVar variation 473377 (VCV000473377.7), dbSNP rs1276883403, ClinGen allele CA375517256.
Genomic context (GRCh38, chr9:135,784,030, plus strand): 5'-TGCCACTGGAGGGACCTCGGCACCAGCCCATCTGAGGCCCCTCCTTTCCCACAGAGGGAG[C>T]GAGAGAATGGCTCCAACCTGGCCTTCATGTTCCGCCTGCCGTTCGCCGCCGGCCGCGTCT-3'